The following is an entry in ClinVar:

NM_004715.5(CTDP1):c.780A>G (p.Leu260=)

Gene: CTDP1 (CTD phosphatase 1; plus strand). Cytogenetic location: 18q23.
Variant type: single nucleotide variant.
Coding change: c.780A>G on transcript NM_004715.5 (MANE Select); coding-DNA position 780, A replaced by G.
Protein change: p.Leu260=; no amino-acid change (leucine 260 retained).
Molecular consequence: synonymous variant.
Genome position (GRCh38, 1-based): chr18:79,710,353, A>G. VCF-style: chr18-79710353-A-G. GRCh37 (hg19) VCF-style: chr18-77470353-A-G.
Other names: c.423A>G, p.Leu141= (NM_001202504.1); c.780A>G, p.Leu260= (NM_001318511.2, NM_048368.4).
Identifiers: ClinVar variation 719547 (VCV000719547.15), dbSNP rs148352897, ClinGen allele CA9010115.

ClinVar aggregate classification (germline): Benign/Likely benign. Review status: criteria provided, multiple submitters, no conflicts (2 of 4 stars). 4 submissions from 4 submitters: Benign (2); Likely benign (1). 1 of the submissions does not count toward it. Last evaluated 2026-02-01.

Conditions:
CTDP1-related disorder. Also called: CTDP1-related condition.

Allele frequency attached by ClinVar (database versions not stated): gnomAD exomes 0.00033; ExAC 0.00042; ESP Exome Variant Server 0.00085; gnomAD 0.00109 and 0.00113; TOPMed 0.00120; 1000 Genomes Project 0.00280; 1000 Genomes Project 30x 0.00297.
gnomAD v4.1: 340 of 1,613,590 alleles (0.021%); highest among the groups gnomAD compares: African/African-American, 0.37%; 1 homozygote.

Submissions (4):

CeGaT Center for Human Genetics Tuebingen
Classification: Likely benign. Last evaluated: 2026-02-01. Review status: criteria provided, single submitter. Criteria: CeGaT Center For Human Genetics Tuebingen Variant Classification Criteria Version 2. Collection method: clinical testing. Allele origin: germline. Affected: yes. Observed: 1 variant allele.
Comment: CTDP1: BP4, BP7

Labcorp Genetics (formerly Invitae), Labcorp
Classification: Benign. Last evaluated: 2025-11-23. Review status: criteria provided, single submitter. Criteria: Invitae Variant Classification Sherloc (09022015). Collection method: clinical testing. Allele origin: germline.

Breakthrough Genomics
Classification: Benign. Review status: criteria provided, single submitter. Criteria: ACMG Guidelines, 2015. Collection method: not provided. Allele origin: germline. Inheritance: Autosomal recessive inheritance. Affected: yes.

PreventionGenetics, part of Exact Sciences
Classification: Likely benign for CTDP1-related condition. Last evaluated: 2019-05-30. Review status: no assertion criteria provided. Collection method: clinical testing. Allele origin: germline. Not counted in ClinVar's aggregate classification.
Comment: This variant is classified as likely benign based on ACMG/AMP sequence variant interpretation guidelines (Richards et al. 2015 PMID: 25741868, with internal and published modifications).